The following is an entry in ClinVar:

NM_006005.3(WFS1):c.2273A>T (p.Lys758Met)

Gene: WFS1 (wolframin ER transmembrane glycoprotein; plus strand). Cytogenetic location: 4p16.1.
Variant type: single nucleotide variant.
Coding change: c.2273A>T on transcript NM_006005.3 (MANE Select); coding-DNA position 2273, A replaced by T.
Protein change: p.Lys758Met; replaces lysine 758 with methionine.
Molecular consequence: missense variant.
Genome position (GRCh38, 1-based): chr4:6,302,068, A>T. VCF-style: chr4-6302068-A-T. GRCh37 (hg19) VCF-style: chr4-6303795-A-T.
Other names: c.2273A>T, p.Lys758Met (NM_001145853.1); short protein forms K758M.
Identifiers: ClinVar variation 3003479 (VCV003003479.3), dbSNP rs1730954836, ClinGen allele CA356178268.

ClinVar aggregate classification (germline): Uncertain significance (1 of 4 stars; one submission).

Allele frequency attached by ClinVar (database versions not stated): gnomAD exomes below 0.00001.
gnomAD v4.1: 2 of 1,612,858 alleles (0.00012%); highest among the groups gnomAD compares: South Asian, 0.0022%; no homozygotes.

Submission:

Labcorp Genetics (formerly Invitae), Labcorp
Classification: Uncertain significance. Last evaluated: 2024-03-07. Review status: criteria provided, single submitter. Criteria: Invitae Variant Classification Sherloc (09022015). Collection method: clinical testing. Allele origin: germline.
Comment: This sequence change replaces lysine, which is basic and polar, with methionine, which is neutral and non-polar, at codon 758 of the WFS1 protein (p.Lys758Met). This variant is not present in population databases (gnomAD no frequency). This variant has not been reported in the literature in individuals affected with WFS1-related conditions. Advanced modeling of protein sequence and biophysical properties (such as structural, functional, and spatial information, amino acid conservation, physicochemical variation, residue mobility, and thermodynamic stability) has been performed at Invitae for this missense variant, however the output from this modeling did not meet the statistical confidence thresholds required to predict the impact of this variant on WFS1 protein function. In summary, the available evidence is currently insufficient to determine the role of this variant in disease. Therefore, it has been classified as a Variant of Uncertain Significance.